The following is an entry in ClinVar:

ClinVar aggregate classification (germline): Uncertain significance. Review status: criteria provided, multiple submitters, no conflicts (2 of 4 stars). 2 submissions from 2 submitters: Uncertain significance (2). Last evaluated 2026-03-12.

Conditions:
Cardiovascular phenotype. Identifiers: MedGen CN230736.
Legius syndrome. Identifiers: Orphanet 137605, MedGen C1969623, MONDO:0012669, OMIM 611431. Disease mechanism: loss of function.

Allele frequency attached by ClinVar (database versions not stated): TOPMed below 0.00001; gnomAD 0.00001.
gnomAD v4.1: 4 of 1,613,954 alleles (0.00025%); highest among the groups gnomAD compares: Non-Finnish European, 0.00034%; no homozygotes.

Submissions (2):

Ambry Genetics
Classification: Uncertain significance for Cardiovascular phenotype. Last evaluated: 2026-03-12. Review status: criteria provided, single submitter. Criteria: Ambry Variant Classification Scheme 2023. Collection method: clinical testing. Allele origin: germline.
Comment: The p.Q50L variant (also known as c.149A>T), located in coding exon 2 of the SPRED1 gene, results from an A to T substitution at nucleotide position 149. The glutamine at codon 50 is replaced by leucine, an amino acid with dissimilar properties. This amino acid position is conserved. In addition, the in silico prediction for this alteration is inconclusive. Based on the available evidence, the clinical significance of this variant remains unclear.

Labcorp Genetics (formerly Invitae), Labcorp
Classification: Uncertain significance for Legius syndrome. Last evaluated: 2018-12-11. Review status: criteria provided, single submitter. Criteria: Invitae Variant Classification Sherloc (09022015). Collection method: clinical testing. Allele origin: germline.
Comment: In summary, the available evidence is currently insufficient to determine the role of this variant in disease. Therefore, it has been classified as a Variant of Uncertain Significance. Algorithms developed to predict the effect of missense changes on protein structure and function (SIFT, PolyPhen-2, Align-GVGD) all suggest that this variant is likely to be tolerated, but these predictions have not been confirmed by published functional studies and their clinical significance is uncertain. This variant has not been reported in the literature in individuals with SPRED1-related conditions. This variant is not present in population databases (ExAC no frequency). This sequence change replaces glutamine with leucine at codon 50 of the SPRED1 protein (p.Gln50Leu). The glutamine residue is moderately conserved and there is a moderate physicochemical difference between glutamine and leucine.

NM_152594.3(SPRED1):c.149A>T (p.Gln50Leu)

Gene: SPRED1 (sprouty related EVH1 domain containing 1; plus strand). Cytogenetic location: 15q14.
Variant type: single nucleotide variant.
Coding change: c.149A>T on transcript NM_152594.3 (MANE Select); coding-DNA position 149, A replaced by T.
Protein change: p.Gln50Leu; replaces glutamine 50 with leucine.
Molecular consequence: missense variant.
Genome position (GRCh38, 1-based): chr15:38,299,489, A>T. VCF-style: chr15-38299489-A-T. GRCh37 (hg19) VCF-style: chr15-38591690-A-T.
Other names: short protein forms Q50L.
Identifiers: ClinVar variation 641959 (VCV000641959.10), dbSNP rs1475256958, ClinGen allele CA391934309.
Genomic context (GRCh38, chr15:38,299,489, plus strand): 5'-GATGGTTACCACTTGGAGGGAGTGGACTAAGCAGCGTCACTGTCTTCAAAGTCCCTCATC[A>T]GGAAGAGAATGGCTGTGCTGACTTTTTTATCCGTGGAGAGCGACTCAGGGACAAAATGGT-3'
Protein context (NP_689807.1, residues 40-60): SSVTVFKVPH[Gln50Leu]EENGCADFFI